The following is an entry in ClinVar:

NM_005359.6(SMAD4):c.734A>T (p.Gln245Leu)

Gene: SMAD4 (SMAD family member 4; plus strand). Cytogenetic location: 18q21.2.
Variant type: single nucleotide variant.
Coding change: c.734A>T on transcript NM_005359.6 (MANE Select); coding-DNA position 734, A replaced by T.
Protein change: p.Gln245Leu; replaces glutamine 245 with leucine.
Molecular consequence: missense variant. On other transcripts: non-coding transcript variant (2).
Genome position (GRCh38, 1-based): chr18:51,058,191, A>T. VCF-style: chr18-51058191-A-T. GRCh37 (hg19) VCF-style: chr18-48584561-A-T.
Other names: c.734A>T, p.Gln245Leu (NM_001407041.1, NM_001407042.1, NM_001407043.1); short protein forms Q245L.
Identifiers: ClinVar variation 4045481 (VCV004045481.1).

ClinVar aggregate classification (germline): Uncertain significance (1 of 4 stars; one submission).

Conditions:
Familial thoracic aortic aneurysm and aortic dissection (TAAD). Also called: Thoracic aortic aneurysms and dissections. Identifiers: Orphanet 91387, MedGen C4707243, MONDO:0019625.
Hereditary cancer-predisposing syndrome. Also called: Neoplastic Syndromes, Hereditary; Tumor predisposition; Hereditary neoplastic syndrome; Hereditary Cancer Syndrome. Identifiers: Orphanet 140162, MedGen C0027672, MeSH D009386, MONDO:0015356.

Submission:

Ambry Genetics
Classification: Uncertain significance for Hereditary cancer-predisposing syndrome; Familial thoracic aortic aneurysm and aortic dissection. Last evaluated: 2025-05-20. Review status: criteria provided, single submitter. Criteria: Ambry Variant Classification Scheme 2023. Collection method: clinical testing. Allele origin: germline.
Comment: The p.Q245L variant (also known as c.734A>T), located in coding exon 5 of the SMAD4 gene, results from an A to T substitution at nucleotide position 734. The glutamine at codon 245 is replaced by leucine, an amino acid with dissimilar properties. This amino acid position is conserved. In addition, this alteration is predicted to be tolerated by in silico analysis. Based on the available evidence, the clinical significance of this variant remains unclear.